The following is an entry in ClinVar:

ClinVar aggregate classification (germline): Uncertain significance (1 of 4 stars; one submission).

gnomAD v4.1: 2 of 1,614,146 alleles (0.00012%); highest among the groups gnomAD compares: South Asian, 0.0022%; no homozygotes.

Submission:

GeneDx
Classification: Uncertain significance. Last evaluated: 2023-06-15. Review status: criteria provided, single submitter. Criteria: GeneDx Variant Classification Process June 2021. Collection method: clinical testing. Allele origin: germline. Affected: yes.
Comment: Not observed at significant frequency in large population cohorts (gnomAD); In silico analysis supports that this missense variant does not alter protein structure/function; Has not been previously published as pathogenic or benign to our knowledge

NM_000352.6(ABCC8):c.1448A>G (p.Gln483Arg)

Gene: ABCC8 (ATP binding cassette subfamily C member 8; minus strand). Cytogenetic location: 11p15.1.
Variant type: single nucleotide variant.
Coding change: c.1448A>G on transcript NM_000352.6 (MANE Select); coding-DNA position 1448, A replaced by G.
Protein change: p.Gln483Arg; replaces glutamine 483 with arginine.
Molecular consequence: missense variant. On other transcripts: non-coding transcript variant (1).
Genome position (GRCh38, 1-based): chr11:17,443,197, T>C on the plus strand (A>G on the coding strand, the complement: ABCC8 is on the minus strand). VCF-style: chr11-17443197-T-C. GRCh37 (hg19) VCF-style: chr11-17464744-T-C.
Other names: c.1448A>G, p.Gln483Arg (NM_001287174.3, NM_001351295.2); c.1445A>G, p.Gln482Arg (NM_001351296.2, NM_001351297.2); short protein forms Q482R, Q483R.
Identifiers: ClinVar variation 3359937 (VCV003359937.1).